The following is an entry in ClinVar:

NM_020822.3(KCNT1):c.1797G>T (p.Lys599Asn)

Gene: KCNT1 (potassium sodium-activated channel subfamily T member 1; plus strand). Cytogenetic location: 9q34.3.
Variant type: single nucleotide variant.
Coding change: c.1797G>T on transcript NM_020822.3 (MANE Select); coding-DNA position 1797, G replaced by T.
Protein change: p.Lys599Asn; replaces lysine 599 with asparagine.
Molecular consequence: missense variant.
Genome position (GRCh38, 1-based): chr9:135,770,884, G>T. VCF-style: chr9-135770884-G-T. GRCh37 (hg19) VCF-style: chr9-138662730-G-T.
Other names: c.1662G>T, p.Lys554Asn (NM_001272003.2); short protein forms K554N, K599N.
Identifiers: ClinVar variation 1046532 (VCV001046532.9), dbSNP rs762247965, ClinGen allele CA5327081.

ClinVar aggregate classification (germline): Uncertain significance (1 of 4 stars; one submission).

Conditions:
Autosomal dominant nocturnal frontal lobe epilepsy 5. Also called: KCNT1-Related Epilepsy; CILIARY DYSKINESIA, PRIMARY, 28, WITHOUT SITUS INVERSUS; CILIARY DYSKINESIA, PRIMARY, 28, WITH SITUS INVERSUS; Epilepsy, nocturnal frontal lobe, 5. Identifiers: Orphanet 98784, MedGen C3554306, MONDO:0014002, OMIM 615005.
Developmental and epileptic encephalopathy, 14 (DEE14). Also called: Early infantile epileptic encephalopathy 14. Identifiers: Orphanet 293181, MedGen C3554195, MONDO:0013989, OMIM 614959.

Allele frequency attached by ClinVar (database versions not stated): TOPMed below 0.00001; gnomAD 0.00001; ExAC 0.00003.
gnomAD v4.1: 1 of 1,589,036 alleles (0.000063%); highest among the groups gnomAD compares: Admixed American, 0.0018%; no homozygotes.

Submission:

Labcorp Genetics (formerly Invitae), Labcorp
Classification: Uncertain significance for Autosomal dominant nocturnal frontal lobe epilepsy 5; Developmental and epileptic encephalopathy, 14. Last evaluated: 2026-01-26. Review status: criteria provided, single submitter. Criteria: Invitae Variant Classification Sherloc (09022015). Collection method: clinical testing. Allele origin: germline.
Comment: This sequence change replaces lysine, which is basic and polar, with asparagine, which is neutral and polar, at codon 599 of the KCNT1 protein (p.Lys599Asn). The frequency data for this variant in the population databases is considered unreliable, as metrics indicate poor data quality at this position in the gnomAD database. This variant has not been reported in the literature in individuals affected with KCNT1-related conditions. ClinVar contains an entry for this variant (Variation ID: 1046532). Invitae Evidence Modeling of protein sequence and biophysical properties (such as structural, functional, and spatial information, amino acid conservation, physicochemical variation, residue mobility, and thermodynamic stability) indicates that this missense variant is not expected to disrupt KCNT1 protein function with a negative predictive value of 80%. In summary, the available evidence is currently insufficient to determine the role of this variant in disease. Therefore, it has been classified as a Variant of Uncertain Significance.